The following is an entry in ClinVar:

ClinVar aggregate classification (germline): Pathogenic (1 of 4 stars; one submission).

Conditions:
Ornithine carbamoyltransferase deficiency (OTCD). Also called: ORNITHINE TRANSCARBAMYLASE DEFICIENCY, HYPERAMMONEMIA DUE TO; ORNITHINE TRANSCARBAMYLASE DEFICIENCY; Ornithine Carbamoyltransferase Deficiency Disease; OTC DEFICIENCY. Identifiers: Orphanet 664, MedGen C0268542, MONDO:0010703, OMIM 311250.

Submission:

Labcorp Genetics (formerly Invitae), Labcorp
Classification: Pathogenic for Ornithine carbamoyltransferase deficiency. Last evaluated: 2018-04-19. Review status: criteria provided, single submitter. Criteria: Invitae Variant Classification Sherloc (09022015). Collection method: clinical testing. Allele origin: germline.
Comment: This variant is an out-of-frame deletion of the genomic region encompassing exon 5 of the OTC gene. This is expected to create a premature translational stop signal and result in an absent or disrupted protein product. Loss-of-function variants in OTC are known to be pathogenic (PMID: 10946359, 16786505). For these reasons, this variant has been classified as Pathogenic.

NC_000023.11:g.(?_38401255)_(38401693_?)del

Gene: OTC (ornithine transcarbamylase; plus strand). Cytogenetic location: Xp11.4.
Variant type: Deletion.
Identifiers: ClinVar variation 584165 (VCV000584165.1).